The following is an entry in ClinVar:

NM_015443.4(KANSL1):c.2095C>T (p.Pro699Ser)

Gene: KANSL1 (KAT8 regulatory NSL complex subunit 1). Cytogenetic location: 17q21.31.
Variant type: single nucleotide variant.
Coding change: c.2095C>T on transcript NM_015443.4 (MANE Select); coding-DNA position 2095, C replaced by T.
Protein change: p.Pro699Ser; replaces proline 699 with serine.
Molecular consequence: missense variant.
Genome position (GRCh38, 1-based): chr17:46,039,810, G>A on the plus strand (C>T on the coding strand, the complement: KANSL1 is on the minus strand). VCF-style: chr17-46039810-G-A. GRCh37 (hg19) VCF-style: chr17-44117176-G-A.
Other names: c.2095C>T, p.Pro699Ser (NM_001193465.2, NM_001193466.2, NM_001379198.1); short protein forms P699S.
Identifiers: ClinVar variation 856573 (VCV000856573.9), dbSNP rs1227525369, ClinGen allele CA399982446.

ClinVar aggregate classification (germline): Uncertain significance (1 of 4 stars; one submission).

Conditions:
Koolen-de Vries syndrome (KDVS). Identifiers: Orphanet 96169, MedGen C1864871, MONDO:0012496, OMIM 610443.

Submission:

Labcorp Genetics (formerly Invitae), Labcorp
Classification: Uncertain significance for Koolen-de Vries syndrome. Last evaluated: 2024-02-26. Review status: criteria provided, single submitter. Criteria: Invitae Variant Classification Sherloc (09022015). Collection method: clinical testing. Allele origin: germline.
Comment: This sequence change replaces proline, which is neutral and non-polar, with serine, which is neutral and polar, at codon 699 of the KANSL1 protein (p.Pro699Ser). This variant is not present in population databases (gnomAD no frequency). This variant has not been reported in the literature in individuals affected with KANSL1-related conditions. ClinVar contains an entry for this variant (Variation ID: 856573). Advanced modeling of protein sequence and biophysical properties (such as structural, functional, and spatial information, amino acid conservation, physicochemical variation, residue mobility, and thermodynamic stability) performed at Invitae indicates that this missense variant is not expected to disrupt KANSL1 protein function with a negative predictive value of 80%. In summary, the available evidence is currently insufficient to determine the role of this variant in disease. Therefore, it has been classified as a Variant of Uncertain Significance.